The following is an entry in ClinVar:

Single allele

Gene: SND1 (staphylococcal nuclease and tudor domain containing 1; plus strand). Cytogenetic location: 7q32.1.
Variant type: Deletion.
Identifiers: ClinVar variation 559397 (VCV000559397.2).

ClinVar aggregate classification (germline): Uncertain significance (0 of 4 stars; one submission).

Conditions:
Absent speech. Also called: Absent speech development. Identifiers: MedGen C1854882, HP:0001344.
Autistic behavior. Identifiers: MedGen C0856975, HP:0000729.

Submission:

Medical Genetics Lab, Policlinico S. Orsola.Malpighi
Classification: Uncertain significance. Last evaluated: 2018-05-01. Review status: no assertion criteria provided. Collection method: clinical testing. Allele origin: de novo. Affected: yes.
Comment: This is a small de novo deletion. Only the SND1 gene is deleted, which was identified as candidate gene for autism by linkage analysis (literature). ClinVar reports a small deletion of SND1 (and the neighboring LRRC4 gene) in a patient with global developmental delay; origin is unknown.

Literature cited by the submitters: DOI 10.1016/j.gene.2019.05.007.